The following is an entry in ClinVar:

NM_145290.4(ADGRA3):c.1443+3A>T

Gene: ADGRA3 (adhesion G protein-coupled receptor A3; minus strand). Cytogenetic location: 4p15.2.
Variant type: single nucleotide variant.
Coding change: c.1443+3A>T on transcript NM_145290.4 (MANE Select); 3 bases into the intron after coding-DNA position 1443, A replaced by T.
Molecular consequence: intron variant.
Genome position (GRCh38, 1-based): chr4:22,435,308, T>A on the plus strand (A>T on the coding strand, the complement: ADGRA3 is on the minus strand). VCF-style: chr4-22435308-T-A. GRCh37 (hg19) VCF-style: chr4-22436931-T-A.
Identifiers: ClinVar variation 1052668 (VCV001052668.7), dbSNP rs750902037, ClinGen allele CA2873963.

ClinVar aggregate classification (germline): Uncertain significance (1 of 4 stars; one submission).

Allele frequency attached by ClinVar (database versions not stated): gnomAD 0.00001; TOPMed 0.00003.
gnomAD v4.1: 15 of 1,609,388 alleles (0.00093%); highest among the groups gnomAD compares: Admixed American, 0.025%; no homozygotes.

Submission:

Labcorp Genetics (formerly Invitae), Labcorp
Classification: Uncertain significance. Last evaluated: 2025-09-15. Review status: criteria provided, single submitter. Criteria: Invitae Variant Classification Sherloc (09022015). Collection method: clinical testing. Allele origin: germline.
Comment: This sequence change falls in intron 10 of the ADGRA3 gene. It does not directly change the encoded amino acid sequence of the ADGRA3 protein. It affects a nucleotide within the consensus splice site. This variant is present in population databases (rs750902037, gnomAD 0.03%). This variant has not been reported in the literature in individuals affected with ADGRA3-related conditions. ClinVar contains an entry for this variant (Variation ID: 1052668). Variants that disrupt the consensus splice site are a relatively common cause of aberrant splicing (PMID: 17576681, 9536098). Algorithms developed to predict the effect of sequence changes on RNA splicing suggest that this variant may disrupt the consensus splice site. In summary, the available evidence is currently insufficient to determine the role of this variant in disease. Therefore, it has been classified as a Variant of Uncertain Significance.

Literature cited by the submitters: PubMed 17576681; PubMed 9536098.